The following is an entry in ClinVar:

ClinVar aggregate classification (germline): Uncertain significance (1 of 4 stars; one submission).

gnomAD v4.1: 5 of 1,560,088 alleles (0.00032%); highest among the groups gnomAD compares: South Asian, 0.0048%; no homozygotes.

Submission:

Labcorp Genetics (formerly Invitae), Labcorp
Classification: Uncertain significance. Last evaluated: 2023-08-25. Review status: criteria provided, single submitter. Criteria: Invitae Variant Classification Sherloc (09022015). Collection method: clinical testing. Allele origin: germline.
Comment: This sequence change falls in intron 7 of the SETD5 gene. It does not directly change the encoded amino acid sequence of the SETD5 protein. In summary, the available evidence is currently insufficient to determine the role of this variant in disease. Therefore, it has been classified as a Variant of Uncertain Significance. Algorithms developed to predict the effect of sequence changes on RNA splicing suggest that this variant may create or strengthen a splice site. This variant has not been reported in the literature in individuals affected with SETD5-related conditions. This variant is not present in population databases (gnomAD no frequency).

NM_001080517.3(SETD5):c.567+8G>A

Gene: SETD5 (SET domain containing 5; plus strand). Cytogenetic location: 3p25.3.
Variant type: single nucleotide variant.
Coding change: c.567+8G>A on transcript NM_001080517.3 (MANE Select); 8 bases into the intron after coding-DNA position 567, G replaced by A.
Molecular consequence: intron variant.
Genome position (GRCh38, 1-based): chr3:9,435,914, G>A. VCF-style: chr3-9435914-G-A. GRCh37 (hg19) VCF-style: chr3-9477598-G-A.
Other names: c.234+8G>A (NM_001349451.2, NM_001292043.2).
Identifiers: ClinVar variation 2987195 (VCV002987195.3), dbSNP rs1372278943, ClinGen allele CA2664305181.